The following is an entry in ClinVar:

ClinVar aggregate classification (germline): Uncertain significance (1 of 4 stars; one submission).

Allele frequency attached by ClinVar (database versions not stated): gnomAD exomes below 0.00001.
gnomAD v4.1: 1 of 1,614,012 alleles (0.000062%); highest among the groups gnomAD compares: Non-Finnish European, 0.000085%; no homozygotes.

Submission:

GeneDx
Classification: Uncertain significance. Last evaluated: 2019-11-22. Review status: criteria provided, single submitter. Criteria: GeneDx Variant Classification Process June 2021. Collection method: clinical testing. Allele origin: germline. Affected: yes.
Comment: Not observed in large population cohorts (Lek et al., 2016); In silico analysis, which includes protein predictors and evolutionary conservation, supports that this variant does not alter protein structure/function; Has not been previously published as pathogenic or benign to our knowledge

NM_005045.4(RELN):c.1247T>C (p.Ile416Thr)

Gene: RELN (reelin; minus strand). Cytogenetic location: 7q22.1.
Variant type: single nucleotide variant.
Coding change: c.1247T>C on transcript NM_005045.4 (MANE Select); coding-DNA position 1247, T replaced by C.
Protein change: p.Ile416Thr; replaces isoleucine 416 with threonine.
Molecular consequence: missense variant.
Genome position (GRCh38, 1-based): chr7:103,682,158, A>G on the plus strand (T>C on the coding strand, the complement: RELN is on the minus strand). VCF-style: chr7-103682158-A-G. GRCh37 (hg19) VCF-style: chr7-103322605-A-G.
Other names: c.1247T>C, p.Ile416Thr (NM_173054.3); short protein forms I416T.
Identifiers: ClinVar variation 1315951 (VCV001315951.2), dbSNP rs2115695607, ClinGen allele CA368926239.
Genomic context (GRCh38, chr7:103,682,158, plus strand): 5'-GAGATAGCAATTACTTACCCTGTAGGCTGGCTCTCAAATTCTTCTGACCATTGCTCTTGA[A>G]TATCTTCTGTGGAAAGATCTACATCCCTGGTGGTGGCAAAATTGAACTCGCTGCCTTCAT-3'
Protein context (NP_005036.2, residues 406-426): TRDVDLSTED[Ile416Thr]QEQWSEEFES